The following is an entry in ClinVar:

NM_001267550.2(TTN):c.4292G>A (p.Arg1431Gln)

Genes: TTN (titin; minus strand), LOC101927055 (uncharacterized LOC101927055; plus strand). Cytogenetic location: 2q31.2.
Variant type: single nucleotide variant.
Coding change: c.4292G>A on transcript NM_001267550.2 (MANE Select); coding-DNA position 4292, G replaced by A.
Protein change: p.Arg1431Gln; replaces arginine 1431 with glutamine.
Molecular consequence: missense variant. On other transcripts: non-coding transcript variant (1).
Genome position (GRCh38, 1-based): chr2:178,777,892, C>T on the plus strand (G>A on the coding strand, the complement: TTN is on the minus strand). VCF-style: chr2-178777892-C-T. GRCh37 (hg19) VCF-style: chr2-179642619-C-T.
Other names: c.4292G>A, p.Arg1431Gln (NM_001256850.1, NM_133378.4, NM_133379.5); c.4154G>A, p.Arg1385Gln (NM_003319.4, NM_133432.3, NM_133437.4); short protein forms R1431Q, R1385Q.
Identifiers: ClinVar variation 507560 (VCV000507560.14), dbSNP rs373690688, ClinGen allele CA2005343.
Genomic context (GRCh38, chr2:178,777,892, plus strand): 5'-AGTTGTGACTCATCTGTCTCCTCCAGCCTACGTCCAGGGGACATTCTTGCAGGGGACATC[C>T]GTGCAGGAGACATCCTTGCAGGTGACATCCGTGCAGGAGACATGCGTATAGGAGACCTGC-3'
Protein context (NP_001254479.2, residues 1421-1441): RMSPARMSPA[Arg1431Gln]MSPARMSPGR

ClinVar aggregate classification (germline): Conflicting classifications of pathogenicity. Review status: criteria provided, conflicting classifications (1 of 4 stars). 12 submissions from 8 submitters: Uncertain significance (7); Benign (2); Likely benign (3). Last evaluated 2026-04-02.

Conditions:
Cardiovascular phenotype. Identifiers: MedGen CN230736.
Myopathy, myofibrillar, 9, with early respiratory failure (MFM9). Also called: Hereditary myopathy with early respiratory failure; EDSTROM MYOPATHY; MYOPATHY, PROXIMAL, WITH EARLY RESPIRATORY MUSCLE INVOLVEMENT; Myopathy, distal, with early respiratory failure, autosomal dominant. Identifiers: Orphanet 178464, Orphanet 34521, MedGen C1863599, MONDO:0011362, OMIM 603689.
Autosomal recessive limb-girdle muscular dystrophy type 2J (LGMDR10). Also called: Limb-girdle muscular dystrophy, type 2J; MUSCULAR DYSTROPHY, LIMB-GIRDLE, AUTOSOMAL RECESSIVE 10. Identifiers: Orphanet 140922, MedGen C1837342, MONDO:0012127, OMIM 608807.
Tibial muscular dystrophy (TMD). Also called: Udd Distal Myopathy – Tibial Muscular Dystrophy; UDD MYOPATHY; Tibial muscular dystrophy, tardive. Identifiers: Orphanet 609, MedGen C1838244, MONDO:0010870, OMIM 600334.
Dilated cardiomyopathy 1G (CMD1G). Identifiers: Orphanet 154, MedGen C1858763, MONDO:0011400, OMIM 604145.
TTN-related disorder. Also called: TTN-related condition; TTN-related disease; TTN-related disorders.
Cardiomyopathy (CMYO). Also called: Cardiomyopathies. Identifiers: Orphanet 167848, MedGen C0878544, MONDO:0004994, HP:0001638. Inheritance: Various modes of inheritance.
Early-onset myopathy with fatal cardiomyopathy (CMYO5). Also called: Salih Myopathy; CONGENITAL MYOPATHY 5 WITH CARDIOMYOPATHY. Identifiers: Orphanet 289377, MedGen C2673677, MONDO:0012714, OMIM 611705. Disease mechanism: loss of function.

Allele frequency attached by ClinVar (database versions not stated): gnomAD 0.00001 and 0.00003; TOPMed 0.00003; gnomAD exomes 0.00005 and 0.00006; ExAC 0.00007; ESP Exome Variant Server 0.00008.
gnomAD v4.1: 91 of 1,613,726 alleles (0.0056%); highest among the groups gnomAD compares: South Asian, 0.018%; no homozygotes.

Submissions (12):

Women's Health and Genetics/Laboratory Corporation of America, LabCorp
Classification: Uncertain significance. Last evaluated: 2026-04-02. Review status: criteria provided, single submitter. Criteria: LabCorp Variant Classification Summary - May 2015. Collection method: clinical testing. Allele origin: germline.
Comment: Variant summary: TTN c.4292G>A (p.Arg1431Gln) results in a conservative amino acid change in the encoded protein sequence. Algorithms developed to predict the effect of missense changes on protein structure and function all suggest that this variant is likely to be tolerated. The variant allele was found at a frequency of 5.2e-05 in 250732 control chromosomes. This frequency is not significantly higher than estimated for disease-causing variants in TTN, allowing no conclusion about variant significance. To our knowledge, no occurrence of c.4292G>A in individuals affected with TTN-related conditions and no experimental evidence demonstrating its impact on protein function have been reported. ClinVar contains an entry for this variant (Variation ID: 507560). Based on the evidence outlined above, the variant was classified as uncertain significance.

Revvity Omics, Revvity
Classification: Uncertain significance. Last evaluated: 2025-03-13. Review status: criteria provided, single submitter. Criteria: ACMG Guidelines, 2015. Collection method: clinical testing. Allele origin: germline.

PreventionGenetics, part of Exact Sciences
Classification: Uncertain significance for TTN-related condition. Last evaluated: 2024-10-17. Review status: criteria provided, single submitter. Criteria: ACMG Guidelines, 2015. Collection method: clinical testing. Allele origin: germline.
Comment: The TTN c.4292G>A variant is predicted to result in the amino acid substitution p.Arg1431Gln. To our knowledge, this variant has not been reported in the literature. This variant is reported in 0.0098% of alleles in individuals of South Asian descent in gnomAD. At this time, the clinical significance of this variant is uncertain due to the absence of conclusive functional and genetic evidence.

Blueprint Genetics
Classification: Likely benign. Last evaluated: 2024-03-18. Review status: criteria provided, single submitter. Criteria: ACMG Guidelines, 2015. Collection method: clinical testing. Allele origin: germline.

CHEO Genetics Diagnostic Laboratory, Children's Hospital of Eastern Ontario
Classification: Likely benign for Cardiomyopathy. Last evaluated: 2022-03-23. Review status: criteria provided, single submitter. Criteria: ACMG Guidelines, 2015. Collection method: clinical testing. Allele origin: germline.

Ambry Genetics
Classification: Uncertain significance for Cardiovascular phenotype. Last evaluated: 2020-02-21. Review status: criteria provided, single submitter. Criteria: Ambry Variant Classification Scheme 2023. Collection method: clinical testing. Allele origin: germline.
Comment: The p.R1385Q variant (also known as c.4154G>A), located in coding exon 23 of the TTN gene, results from a G to A substitution at nucleotide position 4154. The arginine at codon 1385 is replaced by glutamine, an amino acid with highly similar properties. This amino acid position is not well conserved in available vertebrate species. In addition, this alteration is predicted to be tolerated by in silico analysis. Since supporting evidence is limited at this time, the clinical significance of this alteration remains unclear.

GeneDx
Classification: Likely benign. Last evaluated: 2019-05-24. Review status: criteria provided, single submitter. Criteria: GeneDx Variant Classification Process June 2021. Collection method: clinical testing. Allele origin: germline. Affected: yes.

Illumina Laboratory Services, Illumina
Classification: Benign for Myopathy, myofibrillar, 9, with early respiratory failure. Last evaluated: 2018-01-12. Review status: criteria provided, single submitter. Criteria: ICSL Variant Classification Criteria 13 December 2019. Collection method: clinical testing. Allele origin: germline.
Comment: This variant was observed in the ICSL laboratory as part of a predisposition screen in an ostensibly healthy population. It had not been previously curated by ICSL or reported in the Human Gene Mutation Database (HGMD: prior to June 1st, 2018), and was therefore a candidate for classification through an automated scoring system. Utilizing variant allele frequency, disease prevalence and penetrance estimates, and inheritance mode, an automated score was calculated to assess if this variant is too frequent to cause the disease. Based on the score and internal cut-off values, a variant classified as benign is not then subjected to further curation. The score for this variant resulted in a classification of benign for this disease.

Illumina Laboratory Services, Illumina
Classification: Benign for Tibial muscular dystrophy. Last evaluated: 2018-01-12. Review status: criteria provided, single submitter. Criteria: ICSL Variant Classification Criteria 13 December 2019. Collection method: clinical testing. Allele origin: germline.
Comment: the same text as in the submission from Illumina Laboratory Services, Illumina above.

Illumina Laboratory Services, Illumina
Classification: Uncertain significance for Dilated cardiomyopathy 1G. Last evaluated: 2018-01-12. Review status: criteria provided, single submitter. Criteria: ICSL Variant Classification Criteria 13 December 2019. Collection method: clinical testing. Allele origin: germline.

Illumina Laboratory Services, Illumina
Classification: Uncertain significance for Early-onset myopathy with fatal cardiomyopathy. Last evaluated: 2018-01-12. Review status: criteria provided, single submitter. Criteria: ICSL Variant Classification Criteria 13 December 2019. Collection method: clinical testing. Allele origin: germline.

Illumina Laboratory Services, Illumina
Classification: Uncertain significance for Autosomal recessive limb-girdle muscular dystrophy type 2J. Last evaluated: 2018-01-12. Review status: criteria provided, single submitter. Criteria: ICSL Variant Classification Criteria 13 December 2019. Collection method: clinical testing. Allele origin: germline.